The following is an entry in ClinVar:

ClinVar aggregate classification (germline): Conflicting classifications of pathogenicity. Review status: criteria provided, conflicting classifications (1 of 4 stars). 3 submissions from 3 submitters: Likely pathogenic (1); Uncertain significance (2). Last evaluated 2025-11-25.

Conditions:
Familial thoracic aortic aneurysm and aortic dissection (TAAD). Also called: Thoracic aortic aneurysms and dissections. Identifiers: Orphanet 91387, MedGen C4707243, MONDO:0019625.

Submissions (3):

Ambry Genetics
Classification: Likely pathogenic for Familial thoracic aortic aneurysm and aortic dissection. Last evaluated: 2025-11-25. Review status: criteria provided, single submitter. Criteria: Ambry Variant Classification Scheme 2023. Collection method: clinical testing. Allele origin: germline.
Comment: The p.M379T variant (also known as c.1136T>C), located in coding exon 7 of the TGFBR1 gene, results from a T to C substitution at nucleotide position 1136. The methionine at codon 379 is replaced by threonine, an amino acid with similar properties. This variant was reported in individual(s) with features consistent with Loeys-Dietz syndrome (Ambry internal data; external communication; Jondeau G et al. Circ Cardiovasc Genet, 2016 Dec;9:548-558; Khodabakhshian N et al. CJC Pediatr Congenit Heart Dis, 2024 Apr;3:47-54). This amino acid position is highly conserved in available vertebrate species. In addition, this alteration is predicted to be deleterious by in silico analysis. Based on internal structural analysis, this variant is more disruptive than known pathogenic variants (Ambry internal data). This variant is considered to be rare based on population cohorts in the Genome Aggregation Database (gnomAD). Based on the supporting evidence, this variant is likely pathogenic for TGFBR1-related Loeys-Dietz syndrome; however, the association of this variant with an increased risk of multiple self-healing squamous epithelioma (MSSE) is unknown.

Labcorp Genetics (formerly Invitae), Labcorp
Classification: Uncertain significance for Familial thoracic aortic aneurysm and aortic dissection. Last evaluated: 2023-11-08. Review status: criteria provided, single submitter. Criteria: Invitae Variant Classification Sherloc (09022015). Collection method: clinical testing. Allele origin: germline.
Comment: This sequence change replaces methionine, which is neutral and non-polar, with threonine, which is neutral and polar, at codon 379 of the TGFBR1 protein (p.Met379Thr). This variant is not present in population databases (gnomAD no frequency). This missense change has been observed in individual(s) with clinical features of Loeys Dietz syndrome and/or clinical features of Loeys-Dietz syndrome (PMID: 27879313; Invitae). It has also been observed to segregate with disease in related individuals. ClinVar contains an entry for this variant (Variation ID: 263993). Advanced modeling of protein sequence and biophysical properties (such as structural, functional, and spatial information, amino acid conservation, physicochemical variation, residue mobility, and thermodynamic stability) performed at Invitae indicates that this missense variant is expected to disrupt TGFBR1 protein function with a positive predictive value of 80%. In summary, the available evidence is currently insufficient to determine the role of this variant in disease. Therefore, it has been classified as a Variant of Uncertain Significance.

GeneDx
Classification: Uncertain significance. Last evaluated: 2019-05-20. Review status: criteria provided, single submitter. Criteria: GeneDx Variant Classification Process June 2021. Collection method: clinical testing. Allele origin: germline. Affected: yes.
Comment: Previously reported in individuals with thoracic aortic disease and a three generation family with Loeys-Dietz syndrome (Jondeau et al., 2016; Biggin et al., 2018); Not observed in large population cohorts (Lek et al., 2016); In silico analysis, which includes protein predictors and evolutionary conservation, supports a deleterious effect; Reported in ClinVar but additional evidence is not available (ClinVar Variant ID# 263993; Landrum et al., 2016); This variant is associated with the following publications: (PMID: 29524015, 27879313)

Literature cited by the submitters: PubMed 27879313 (cited by Ambry Genetics and Labcorp Genetics (formerly Invitae), Labcorp); PubMed 38774681 (cited by Ambry Genetics).

NM_004612.4(TGFBR1):c.1136T>C (p.Met379Thr)

Gene: TGFBR1 (transforming growth factor beta receptor 1; plus strand). Cytogenetic location: 9q22.33.
Variant type: single nucleotide variant.
Coding change: c.1136T>C on transcript NM_004612.4 (MANE Select); coding-DNA position 1136, T replaced by C.
Protein change: p.Met379Thr; replaces methionine 379 with threonine.
Molecular consequence: missense variant.
Genome position (GRCh38, 1-based): chr9:99,146,490, T>C. VCF-style: chr9-99146490-T-C. GRCh37 (hg19) VCF-style: chr9-101908772-T-C.
Other names: c.905T>C, p.Met302Thr (NM_001130916.3); c.1148T>C, p.Met383Thr (NM_001306210.2); short protein forms M379T, M302T, M383T.
Identifiers: ClinVar variation 263993 (VCV000263993.19), dbSNP rs886039004, ClinGen allele CA10587685.